The following is an entry in ClinVar:

NM_058216.3(RAD51C):c.178A>G (p.Thr60Ala)

Gene: RAD51C (RAD51 paralog C; plus strand). Cytogenetic location: 17q22.
Variant type: single nucleotide variant.
Coding change: c.178A>G on transcript NM_058216.3 (MANE Select); coding-DNA position 178, A replaced by G.
Protein change: p.Thr60Ala; replaces threonine 60 with alanine.
Molecular consequence: missense variant. On other transcripts: non-coding transcript variant (2).
Genome position (GRCh38, 1-based): chr17:58,694,963, A>G. VCF-style: chr17-58694963-A-G. GRCh37 (hg19) VCF-style: chr17-56772324-A-G.
Other names: c.178A>G, p.Thr60Ala (NM_002876.4); short protein forms T60A.
Identifiers: ClinVar variation 1014288 (VCV001014288.8), dbSNP rs2047941918, ClinGen allele CA400339743.
Genomic context (GRCh38, chr17:58,694,963, plus strand): 5'-GGTTCTTTTTTTCTTATTTTACTTTCAGAAGTTGGGATATCTAAAGCAGAAGCCTTAGAA[A>G]CTCTGCAAATTATCAGAAGAGAATGTCTCACAAATAAACCAAGATATGCTGGTACATCTG-3'
Protein context (NP_478123.1, residues 50-70): VGISKAEALE[Thr60Ala]LQIIRRECLT

ClinVar aggregate classification (germline): Uncertain significance. Review status: criteria provided, multiple submitters, no conflicts (2 of 4 stars). 2 submissions from 2 submitters: Uncertain significance (2). Last evaluated 2025-03-04.

Conditions:
Fanconi anemia complementation group O. Also called: RAD51C-Related Fanconi Anemia. Identifiers: Orphanet 84, MedGen C3150653, MONDO:0013248, OMIM 613390.

Submissions (2):

Center for Genomic Medicine, Rigshospitalet, Copenhagen University Hospital
Classification: Uncertain significance. Last evaluated: 2025-03-04. Review status: criteria provided, single submitter. Criteria: ACMG Guidelines, 2015. Collection method: clinical testing. Allele origin: germline.

Labcorp Genetics (formerly Invitae), Labcorp
Classification: Uncertain significance for Fanconi anemia complementation group O. Last evaluated: 2022-02-20. Review status: criteria provided, single submitter. Criteria: Invitae Variant Classification Sherloc (09022015). Collection method: clinical testing. Allele origin: germline.
Comment: This sequence change replaces threonine, which is neutral and polar, with alanine, which is neutral and non-polar, at codon 60 of the RAD51C protein (p.Thr60Ala). In summary, the available evidence is currently insufficient to determine the role of this variant in disease. Therefore, it has been classified as a Variant of Uncertain Significance. Algorithms developed to predict the effect of missense changes on protein structure and function output the following: SIFT: "Tolerated"; PolyPhen-2: "Benign"; Align-GVGD: "Class C0". The alanine amino acid residue is found in multiple mammalian species, which suggests that this missense change does not adversely affect protein function. ClinVar contains an entry for this variant (Variation ID: 1014288). This variant has not been reported in the literature in individuals affected with RAD51C-related conditions. This variant is not present in population databases (gnomAD no frequency).